The following is an entry in ClinVar:

NM_005223.4(DNASE1):c.378C>T (p.Cys126=)

Gene: DNASE1 (deoxyribonuclease 1; plus strand). Cytogenetic location: 16p13.3.
Variant type: single nucleotide variant.
Coding change: c.378C>T on transcript NM_005223.4 (MANE Select); coding-DNA position 378, C replaced by T.
Protein change: p.Cys126=; no amino-acid change (cysteine 126 retained).
Molecular consequence: synonymous variant. On other transcripts: non-coding transcript variant (2).
Genome position (GRCh38, 1-based): chr16:3,656,695, C>T. VCF-style: chr16-3656695-C-T. GRCh37 (hg19) VCF-style: chr16-3706696-C-T.
Other names: c.378C>T, p.Cys126= (NM_001351825.2, NM_001387135.1, NM_001387139.1 and 1 more transcripts); c.171C>T, p.Cys57= (NM_001387141.1).
Identifiers: ClinVar variation 3048522 (VCV003048522.2), dbSNP rs780408465, ClinGen allele CA7867230.

ClinVar aggregate classification (germline): Likely benign (0 of 4 stars; one submission).

Conditions:
DNASE1-related disorder. Also called: DNASE1-related condition.

Allele frequency attached by ClinVar (database versions not stated): gnomAD 0.00002; TOPMed 0.00002; ExAC 0.00003.
gnomAD v4.1: 33 of 1,613,134 alleles (0.002%); highest among the groups gnomAD compares: Middle Eastern, 0.016%; no homozygotes.

Submission:

PreventionGenetics, part of Exact Sciences
Classification: Likely benign for DNASE1-related condition. Last evaluated: 2019-04-25. Review status: no assertion criteria provided. Collection method: clinical testing. Allele origin: germline.
Comment: This variant is classified as likely benign based on ACMG/AMP sequence variant interpretation guidelines (Richards et al. 2015 PMID: 25741868, with internal and published modifications).